The following is an entry in ClinVar:

NM_015602.4(TOR1AIP1):c.1328G>A (p.Arg443Gln)

Gene: TOR1AIP1 (torsin 1A interacting protein 1; plus strand). Cytogenetic location: 1q25.2.
Variant type: single nucleotide variant.
Coding change: c.1328G>A on transcript NM_015602.4 (MANE Select); coding-DNA position 1328, G replaced by A.
Protein change: p.Arg443Gln; replaces arginine 443 with glutamine.
Molecular consequence: missense variant.
Genome position (GRCh38, 1-based): chr1:179,917,815, G>A. VCF-style: chr1-179917815-G-A. GRCh37 (hg19) VCF-style: chr1-179886950-G-A.
Other names: c.1331G>A (NM_001267578.1); c.1331G>A, p.Arg444Gln (NM_001267578.2); short protein forms R444Q, R443Q.
Identifiers: ClinVar variation 1416453 (VCV001416453.7), dbSNP rs148871236, ClinGen allele CA1269129.

ClinVar aggregate classification (germline): Uncertain significance. Review status: criteria provided, multiple submitters, no conflicts (2 of 4 stars). 2 submissions from 2 submitters: Uncertain significance (2). Last evaluated 2024-07-17.

Conditions:
Autosomal recessive limb-girdle muscular dystrophy type 2Y (MRRSDC). Also called: Muscular dystrophy, autosomal recessive, with rigid spine and distal joint contractures; Muscular dystrophy, limb-girdle, type 2y. Identifiers: Orphanet 424261, MedGen C4511482, MONDO:0014900, OMIM 617072.

Allele frequency attached by ClinVar (database versions not stated): gnomAD 0.00002 and 0.00003; gnomAD exomes 0.00004 and 0.00006; TOPMed 0.00004; ExAC 0.00007; 1000 Genomes Project 30x 0.00016; 1000 Genomes Project 0.00020.

Submissions (2):

GeneDx
Classification: Uncertain significance. Last evaluated: 2024-07-17. Review status: criteria provided, single submitter. Criteria: GeneDx Variant Classification Process June 2021. Collection method: clinical testing. Allele origin: germline. Affected: yes.
Comment: In silico analysis indicates that this missense variant does not alter protein structure/function; Has not been previously published as pathogenic or benign to our knowledge

Labcorp Genetics (formerly Invitae), Labcorp
Classification: Uncertain significance for Autosomal recessive limb-girdle muscular dystrophy type 2Y. Last evaluated: 2023-01-01. Review status: criteria provided, single submitter. Criteria: Invitae Variant Classification Sherloc (09022015). Collection method: clinical testing. Allele origin: germline.
Comment: ClinVar contains an entry for this variant (Variation ID: 1416453). In summary, the available evidence is currently insufficient to determine the role of this variant in disease. Therefore, it has been classified as a Variant of Uncertain Significance. Advanced modeling of protein sequence and biophysical properties (such as structural, functional, and spatial information, amino acid conservation, physicochemical variation, residue mobility, and thermodynamic stability) performed at Invitae indicates that this missense variant is not expected to disrupt TOR1AIP1 protein function. This variant has not been reported in the literature in individuals affected with TOR1AIP1-related conditions. This variant is present in population databases (rs148871236, gnomAD 0.06%). This sequence change replaces arginine, which is basic and polar, with glutamine, which is neutral and polar, at codon 444 of the TOR1AIP1 protein (p.Arg444Gln).